The following is an entry in ClinVar:

ClinVar aggregate classification (germline): Uncertain significance (1 of 4 stars; one submission).

gnomAD v4.1: 1 of 1,613,120 alleles (0.000062%); highest among the groups gnomAD compares: South Asian, 0.0011%; no homozygotes.

Submission:

GeneDx
Classification: Uncertain significance. Last evaluated: 2026-02-04. Review status: criteria provided, single submitter. Criteria: GeneDx Variant Classification Process June 2021. Collection method: clinical testing. Allele origin: germline.
Comment: Not observed at significant frequency in large population cohorts (gnomAD); In silico analysis supports that this missense variant has a deleterious effect on protein structure/function; Has not been previously published as pathogenic or benign to our knowledge

NM_015015.3(KDM4B):c.1942G>T (p.Asp648Tyr)

Gene: KDM4B (lysine demethylase 4B; plus strand). Cytogenetic location: 19p13.3.
Variant type: single nucleotide variant.
Coding change: c.1942G>T on transcript NM_015015.3 (MANE Select); coding-DNA position 1942, G replaced by T.
Protein change: p.Asp648Tyr; replaces aspartic acid 648 with tyrosine.
Molecular consequence: missense variant.
Genome position (GRCh38, 1-based): chr19:5,133,918, G>T. VCF-style: chr19-5133918-G-T. GRCh37 (hg19) VCF-style: chr19-5133929-G-T.
Other names: c.2044G>T, p.Asp682Tyr (NM_001411148.1); short protein forms D648Y, D682Y.
Identifiers: ClinVar variation 4976078 (VCV004976078.1).